The following is an entry in ClinVar:

ClinVar aggregate classification (germline): Conflicting classifications of pathogenicity. Review status: criteria provided, conflicting classifications (1 of 4 stars). 16 submissions from 12 submitters: Uncertain significance (12); Benign (2); Likely benign (2). Last evaluated 2026-09-16.

Conditions:
TTN-related disorder. Also called: TTN-related disorders; TTN-related condition; TTN-related disease.
Cardiovascular phenotype. Identifiers: MedGen CN230736.
Dilated cardiomyopathy 1G (CMD1G). Identifiers: Orphanet 154, MedGen C1858763, MONDO:0011400, OMIM 604145.
Autosomal recessive limb-girdle muscular dystrophy type 2J (LGMDR10). Also called: Limb-girdle muscular dystrophy, type 2J; MUSCULAR DYSTROPHY, LIMB-GIRDLE, AUTOSOMAL RECESSIVE 10. Identifiers: Orphanet 140922, MedGen C1837342, MONDO:0012127, OMIM 608807.
Early-onset myopathy with fatal cardiomyopathy (CMYO5). Also called: CONGENITAL MYOPATHY 5 WITH CARDIOMYOPATHY; Salih Myopathy. Identifiers: Orphanet 289377, MedGen C2673677, MONDO:0012714, OMIM 611705. Disease mechanism: loss of function.
Tibial muscular dystrophy (TMD). Also called: Tibial muscular dystrophy, tardive; Udd Distal Myopathy – Tibial Muscular Dystrophy; UDD MYOPATHY. Identifiers: Orphanet 609, MedGen C1838244, MONDO:0010870, OMIM 600334.
Myopathy, myofibrillar, 9, with early respiratory failure (MFM9). Also called: Myopathy, distal, with early respiratory failure, autosomal dominant; MYOPATHY, PROXIMAL, WITH EARLY RESPIRATORY MUSCLE INVOLVEMENT; Hereditary myopathy with early respiratory failure; EDSTROM MYOPATHY. Identifiers: Orphanet 178464, Orphanet 34521, MedGen C1863599, MONDO:0011362, OMIM 603689.
Hypertrophic cardiomyopathy 9. Also called: Familial hypertrophic cardiomyopathy 9. Identifiers: MedGen C1861065, MONDO:0013412, OMIM 613765.
Cardiomyopathy (CMYO). Also called: Cardiomyopathies. Identifiers: Orphanet 167848, MedGen C0878544, MONDO:0004994, HP:0001638. Inheritance: Various modes of inheritance.

Allele frequency attached by ClinVar (database versions not stated): ESP Exome Variant Server 0.00008; ExAC 0.00009; gnomAD exomes 0.00009 and 0.00018; gnomAD 0.00013 and 0.00014; TOPMed 0.00015.
gnomAD v4.1: 277 of 1,613,530 alleles (0.017%); highest among the groups gnomAD compares: Non-Finnish European, 0.021%; no homozygotes.

Submissions (16):

PreventionGenetics, part of Exact Sciences
Classification: Uncertain significance for TTN-related condition. Last evaluated: 2026-09-16. Review status: criteria provided, single submitter. Criteria: ACMG Guidelines, 2015. Collection method: clinical testing. Allele origin: germline.
Comment: The TTN c.96173G>A variant is predicted to result in the amino acid substitution p.Arg32058Gln. To our knowledge, this variant has not been reported in the literature. This variant is reported in 0.016% of alleles in individuals of European (Non-Finnish) descent in gnomAD. Although we suspect that this variant may be benign, at this time, the clinical significance of this variant is uncertain due to the absence of conclusive functional and genetic evidence.

Revvity Omics, Revvity
Classification: Uncertain significance. Last evaluated: 2025-07-10. Review status: criteria provided, single submitter. Criteria: ACMG Guidelines, 2015. Collection method: clinical testing. Allele origin: germline.

Fulgent Genetics
Classification: Uncertain significance for Tibial muscular dystrophy; Myopathy, myofibrillar, 9, with early respiratory failure; Dilated cardiomyopathy 1G; Autosomal recessive limb-girdle muscular dystrophy type 2J; Early-onset myopathy with fatal cardiomyopathy; Hypertrophic cardiomyopathy 9. Last evaluated: 2024-05-31. Review status: criteria provided, single submitter. Criteria: ACMG Guidelines, 2015. Collection method: clinical testing. Allele origin: germline.

CHEO Genetics Diagnostic Laboratory, Children's Hospital of Eastern Ontario
Classification: Likely benign for Cardiomyopathy. Last evaluated: 2022-11-14. Review status: criteria provided, single submitter. Criteria: ACMG Guidelines, 2015. Collection method: clinical testing. Allele origin: germline.

Athena Diagnostics
Classification: Uncertain significance. Last evaluated: 2021-07-26. Review status: criteria provided, single submitter. Criteria: Athena Diagnostics Criteria. Collection method: clinical testing. Allele origin: unknown.

GeneDx
Classification: Likely benign. Last evaluated: 2020-11-09. Review status: criteria provided, single submitter. Criteria: GeneDx Variant Classification Process June 2021. Collection method: clinical testing. Allele origin: germline. Affected: yes.

Department of Pathology and Laboratory Medicine, Sinai Health System
Classification: Uncertain significance for Tibial muscular dystrophy; Myopathy, myofibrillar, 9, with early respiratory failure; Dilated cardiomyopathy 1G; Autosomal recessive limb-girdle muscular dystrophy type 2J; Early-onset myopathy with fatal cardiomyopathy; Hypertrophic cardiomyopathy 9. Last evaluated: 2020-04-30. Review status: criteria provided, single submitter. Criteria: ACMG Guidelines, 2015. Collection method: research. Allele origin: germline.

Ambry Genetics
Classification: Uncertain significance for Cardiovascular phenotype. Last evaluated: 2018-09-12. Review status: criteria provided, single submitter. Criteria: Ambry Variant Classification Scheme 2023. Collection method: clinical testing. Allele origin: germline.
Comment: The p.R22993Q variant (also known as c.68978G>A), located in coding exon 173 of the TTN gene, results from a G to A substitution at nucleotide position 68978. The arginine at codon 22993 is replaced by glutamine, an amino acid with highly similar properties. This amino acid position is highly conserved in available vertebrate species. In addition, this alteration is predicted to be tolerated by in silico analysis. Since supporting evidence is limited at this time, the clinical significance of this alteration remains unclear.

Illumina Laboratory Services, Illumina
Classification: Uncertain significance for Autosomal recessive limb-girdle muscular dystrophy type 2J. Last evaluated: 2018-01-13. Review status: criteria provided, single submitter. Criteria: ICSL Variant Classification Criteria 13 December 2019. Collection method: clinical testing. Allele origin: germline.

Illumina Laboratory Services, Illumina
Classification: Uncertain significance for Dilated cardiomyopathy 1G. Last evaluated: 2018-01-13. Review status: criteria provided, single submitter. Criteria: ICSL Variant Classification Criteria 13 December 2019. Collection method: clinical testing. Allele origin: germline.

Illumina Laboratory Services, Illumina
Classification: Benign for Myopathy, myofibrillar, 9, with early respiratory failure. Last evaluated: 2018-01-13. Review status: criteria provided, single submitter. Criteria: ICSL Variant Classification Criteria 13 December 2019. Collection method: clinical testing. Allele origin: germline.
Comment: This variant was observed in the ICSL laboratory as part of a predisposition screen in an ostensibly healthy population. It had not been previously curated by ICSL or reported in the Human Gene Mutation Database (HGMD: prior to June 1st, 2018), and was therefore a candidate for classification through an automated scoring system. Utilizing variant allele frequency, disease prevalence and penetrance estimates, and inheritance mode, an automated score was calculated to assess if this variant is too frequent to cause the disease. Based on the score and internal cut-off values, a variant classified as benign is not then subjected to further curation. The score for this variant resulted in a classification of benign for this disease.

Illumina Laboratory Services, Illumina
Classification: Uncertain significance for Early-onset myopathy with fatal cardiomyopathy. Last evaluated: 2018-01-13. Review status: criteria provided, single submitter. Criteria: ICSL Variant Classification Criteria 13 December 2019. Collection method: clinical testing. Allele origin: germline.

Illumina Laboratory Services, Illumina
Classification: Benign for Tibial muscular dystrophy. Last evaluated: 2018-01-13. Review status: criteria provided, single submitter. Criteria: ICSL Variant Classification Criteria 13 December 2019. Collection method: clinical testing. Allele origin: germline.
Comment: the same text as in the submission from Illumina Laboratory Services, Illumina above.

Labcorp Genetics (formerly Invitae), Labcorp
Classification: Uncertain significance for Dilated cardiomyopathy 1G; Autosomal recessive limb-girdle muscular dystrophy type 2J. Last evaluated: 2017-11-16. Review status: criteria provided, single submitter. Criteria: Invitae Variant Classification Sherloc (09022015). Collection method: clinical testing. Allele origin: germline.

Eurofins Ntd Llc (ga)
Classification: Uncertain significance. Last evaluated: 2017-08-22. Review status: criteria provided, single submitter. Criteria: EGL Classification Definitions 2015. Collection method: clinical testing. Allele origin: germline. Observed: 2 variant alleles, 2 heterozygotes.

Laboratory for Molecular Medicine, Mass General Brigham Personalized Medicine
Classification: Uncertain significance. Last evaluated: 2016-01-07. Review status: criteria provided, single submitter. Criteria: LMM Criteria. Collection method: clinical testing. Allele origin: germline. Observed: 1 variant allele.
Comment: The p.Arg29490Gln variant in TTN has not been previously reported in individuals with cardiomyopathy, but has been identified in 9/66730 European chromosomes an d 2/9804 African chromosomes by the Exome Aggregation Consortium (ExAC; dbSNP rs374063064). Computational prediction tools and c onservation analysis suggest that this variant may impact the protein, though th is information is not predictive enough to determine pathogenicity. In summary, the clinical significance of the p.Arg29490Gln variant is uncertain.

NM_001267550.2(TTN):c.96173G>A (p.Arg32058Gln)

Genes: TTN (titin; minus strand), TTN-AS1 (TTN antisense RNA 1; plus strand), LOC126806421 (CDK7 strongly-dependent group 2 enhancer GRCh37_chr2:179407630-179408829; plus strand). Cytogenetic location: 2q31.2.
Variant type: single nucleotide variant.
Coding change: c.96173G>A on transcript NM_001267550.2 (MANE Select); coding-DNA position 96173, G replaced by A.
Protein change: p.Arg32058Gln; replaces arginine 32058 with glutamine.
Molecular consequence: missense variant.
Genome position (GRCh38, 1-based): chr2:178,543,971, C>T on the plus strand (G>A on the coding strand, the complement: TTN is on the minus strand). VCF-style: chr2-178543971-C-T. GRCh37 (hg19) VCF-style: chr2-179408698-C-T.
Other names: c.69353G>A, p.Arg23118Gln (NM_133432.3); c.69554G>A, p.Arg23185Gln (NM_133437.4); c.91250G>A, p.Arg30417Gln (NM_001256850.1); c.68978G>A, p.Arg22993Gln (NM_003319.4); c.88469G>A, p.Arg29490Gln (NM_133378.4); c.96173G>A (NM_001267550.1); short protein forms R29490Q, R32058Q, R30417Q, R22993Q, R23118Q, R23185Q.
Identifiers: ClinVar variation 229549 (VCV000229549.28), dbSNP rs374063064, ClinGen allele CA1986808.